The following is an entry in ClinVar:

ClinVar aggregate classification (germline): Uncertain significance (1 of 4 stars; one submission).

Conditions:
Joubert syndrome. Also called: CEREBELLOPARENCHYMAL DISORDER IV; JOUBERT-BOLTSHAUSER SYNDROME; Familial aplasia of the vermis. Identifiers: Orphanet 475, MedGen C5979921, MONDO:0018772.
Meckel-Gruber syndrome. Also called: DYSENCEPHALIA SPLANCHNOCYSTICA; GRUBER SYNDROME; Dysencephalia splachnocystica. Identifiers: Orphanet 564, MedGen C0265215, MONDO:0018921.

Allele frequency attached by ClinVar (database versions not stated): gnomAD exomes below 0.00001.

Submission:

Labcorp Genetics (formerly Invitae), Labcorp
Classification: Uncertain significance for Joubert syndrome; Meckel-Gruber syndrome. Last evaluated: 2022-07-07. Review status: criteria provided, single submitter. Criteria: Invitae Variant Classification Sherloc (09022015). Collection method: clinical testing. Allele origin: germline.
Comment: This sequence change replaces glutamic acid, which is acidic and polar, with lysine, which is basic and polar, at codon 79 of the TCTN2 protein (p.Glu79Lys). This variant is present in population databases (no rsID available, gnomAD 0.003%). This variant has not been reported in the literature in individuals affected with TCTN2-related conditions. Algorithms developed to predict the effect of missense changes on protein structure and function (SIFT, PolyPhen-2, Align-GVGD) all suggest that this variant is likely to be tolerated. In summary, the available evidence is currently insufficient to determine the role of this variant in disease. Therefore, it has been classified as a Variant of Uncertain Significance.

NM_024809.5(TCTN2):c.235G>A (p.Glu79Lys)

Gene: TCTN2 (tectonic family member 2; plus strand). Cytogenetic location: 12q24.31.
Variant type: single nucleotide variant.
Coding change: c.235G>A on transcript NM_024809.5 (MANE Select); coding-DNA position 235, G replaced by A.
Protein change: p.Glu79Lys; replaces glutamic acid 79 with lysine.
Molecular consequence: missense variant.
Genome position (GRCh38, 1-based): chr12:123,672,100, G>A. VCF-style: chr12-123672100-G-A. GRCh37 (hg19) VCF-style: chr12-124156647-G-A.
Other names: c.235G>A, p.Glu79Lys (NM_001143850.3, NM_001410989.1); short protein forms E79K.
Identifiers: ClinVar variation 2014956 (VCV002014956.4), dbSNP rs1400206446, ClinGen allele CA387155314.